The following is an entry in ClinVar:

NM_024757.5(EHMT1):c.86-3C>T

Gene: EHMT1 (euchromatic histone lysine methyltransferase 1; plus strand). Cytogenetic location: 9q34.3.
Variant type: single nucleotide variant.
Coding change: c.86-3C>T on transcript NM_024757.5 (MANE Select); 3 bases into the intron before coding-DNA position 86, C replaced by T.
Molecular consequence: intron variant.
Genome position (GRCh38, 1-based): chr9:137,716,623, C>T. VCF-style: chr9-137716623-C-T. GRCh37 (hg19) VCF-style: chr9-140611075-C-T.
Other names: c.86-3C>T (NM_001354263.2, NM_001145527.2, NM_001354611.2); c.-8-3C>T (NM_001354259.2, NM_001354612.2).
Identifiers: ClinVar variation 2812538 (VCV002812538.3), dbSNP rs1370658673, ClinGen allele CA861206058.

ClinVar aggregate classification (germline): Uncertain significance (1 of 4 stars; one submission).

Conditions:
Kleefstra syndrome 1 (KLEFS1). Identifiers: Orphanet 261494, MedGen C0795833, MONDO:0027407, OMIM 610253.

Allele frequency attached by ClinVar (database versions not stated): gnomAD 0.00001; gnomAD exomes below 0.00001; TOPMed 0.00001.
gnomAD v4.1: 5 of 1,549,838 alleles (0.00032%); highest among the groups gnomAD compares: African/African-American, 0.0014%; no homozygotes.

Submission:

Labcorp Genetics (formerly Invitae), Labcorp
Classification: Uncertain significance for Kleefstra syndrome 1. Last evaluated: 2024-08-15. Review status: criteria provided, single submitter. Criteria: Invitae Variant Classification Sherloc (09022015). Collection method: clinical testing. Allele origin: germline.
Comment: This sequence change falls in intron 2 of the EHMT1 gene. It does not directly change the encoded amino acid sequence of the EHMT1 protein. It affects a nucleotide within the consensus splice site. This variant is not present in population databases (gnomAD no frequency). This variant has not been reported in the literature in individuals affected with EHMT1-related conditions. Variants that disrupt the consensus splice site are a relatively common cause of aberrant splicing (PMID: 17576681, 9536098). Algorithms developed to predict the effect of sequence changes on RNA splicing suggest that this variant is not likely to affect RNA splicing. In summary, the available evidence is currently insufficient to determine the role of this variant in disease. Therefore, it has been classified as a Variant of Uncertain Significance.

Literature cited by the submitters: PubMed 17576681; PubMed 9536098.